The following is an entry in ClinVar:

ClinVar aggregate classification (germline): Uncertain significance (1 of 4 stars; one submission).

Allele frequency attached by ClinVar (database versions not stated): gnomAD 0.00001; gnomAD exomes 0.00001; ExAC 0.00002; TOPMed 0.00002.
gnomAD v4.1: 57 of 1,612,988 alleles (0.0035%); highest among the groups gnomAD compares: Non-Finnish European, 0.0044%; no homozygotes.

Submission:

Labcorp Genetics (formerly Invitae), Labcorp
Classification: Uncertain significance. Last evaluated: 2021-08-05. Review status: criteria provided, single submitter. Criteria: Invitae Variant Classification Sherloc (09022015). Collection method: clinical testing. Allele origin: germline.
Comment: In summary, the available evidence is currently insufficient to determine the role of this variant in disease. Therefore, it has been classified as a Variant of Uncertain Significance. Algorithms developed to predict the effect of missense changes on protein structure and function are either unavailable or do not agree on the potential impact of this missense change (SIFT: "Deleterious"; PolyPhen-2: "Probably Damaging"; Align-GVGD: "Class C0"). This variant has not been reported in the literature in individuals affected with ASPM-related conditions. This variant is present in population databases (rs752011786, ExAC 0.003%). This sequence change replaces alanine with threonine at codon 1901 of the ASPM protein (p.Ala1901Thr). The alanine residue is highly conserved and there is a small physicochemical difference between alanine and threonine.

NM_018136.5(ASPM):c.5701G>A (p.Ala1901Thr)

Gene: ASPM (assembly factor for spindle microtubules; minus strand). Cytogenetic location: 1q31.3.
Variant type: single nucleotide variant.
Coding change: c.5701G>A on transcript NM_018136.5 (MANE Select); coding-DNA position 5701, G replaced by A.
Protein change: p.Ala1901Thr; replaces alanine 1901 with threonine.
Molecular consequence: missense variant. On other transcripts: intron variant (1).
Genome position (GRCh38, 1-based): chr1:197,103,550, C>T on the plus strand (G>A on the coding strand, the complement: ASPM is on the minus strand). VCF-style: chr1-197103550-C-T. GRCh37 (hg19) VCF-style: chr1-197072680-C-T.
Other names: c.4066-7386G>A (NM_001206846.2); short protein forms A1901T.
Identifiers: ClinVar variation 1469792 (VCV001469792.6), dbSNP rs752011786, ClinGen allele CA1309704.